The following is an entry in ClinVar:

NM_000090.4(COL3A1):c.1510-290C>T

Gene: COL3A1 (collagen type III alpha 1 chain; plus strand). Cytogenetic location: 2q32.2.
Variant type: single nucleotide variant.
Coding change: c.1510-290C>T on transcript NM_000090.4 (MANE Select); 290 bases into the intron before coding-DNA position 1510, C replaced by T.
Molecular consequence: intron variant.
Genome position (GRCh38, 1-based): chr2:188,995,402, C>T. VCF-style: chr2-188995402-C-T. GRCh37 (hg19) VCF-style: chr2-189860128-C-T.
Identifiers: ClinVar variation 670964 (VCV000670964.2), dbSNP rs3106798, ClinGen allele CA11343216.

ClinVar aggregate classification (germline): Benign. Review status: criteria provided, multiple submitters, no conflicts (2 of 4 stars). 2 submissions from 2 submitters: Benign (2). Last evaluated 2018-06-18.

Allele frequency attached by ClinVar (database versions not stated): TOPMed 0.33756; gnomAD 0.34722 and 0.35594; 1000 Genomes Project 30x 0.36540; 1000 Genomes Project 0.37081.
gnomAD v4.1: 54,153 of 152,098 alleles (36%); highest among the groups gnomAD compares: East Asian, 61%; 11,614 homozygotes.

Submissions (2):

GeneDx
Classification: Benign. Last evaluated: 2018-06-18. Review status: criteria provided, single submitter. Criteria: GeneDx Variant Classification (06012015). Collection method: clinical testing. Allele origin: germline. Affected: yes.
Comment: This variant is considered likely benign or benign based on one or more of the following criteria: it is a conservative change, it occurs at a poorly conserved position in the protein, it is predicted to be benign by multiple in silico algorithms, and/or has population frequency not consistent with disease.

Breakthrough Genomics
Classification: Benign. Review status: criteria provided, single submitter. Criteria: ACMG Guidelines, 2015. Collection method: not provided. Allele origin: germline. Inheritance: Autosomal recessive inheritance. Affected: yes.